The following is an entry in ClinVar:

NM_003995.4(NPR2):c.1951G>A (p.Val651Met)

Gene: NPR2 (natriuretic peptide receptor 2; plus strand). Cytogenetic location: 9p13.3.
Variant type: single nucleotide variant.
Coding change: c.1951G>A on transcript NM_003995.4 (MANE Select); coding-DNA position 1951, G replaced by A.
Protein change: p.Val651Met; replaces valine 651 with methionine.
Molecular consequence: missense variant.
Genome position (GRCh38, 1-based): chr9:35,805,574, G>A. VCF-style: chr9-35805574-G-A. GRCh37 (hg19) VCF-style: chr9-35805571-G-A.
Other names: c.1960G>A, p.Val654Met (NM_001378923.1); short protein forms V651M, V654M.
Identifiers: ClinVar variation 2945558 (VCV002945558.3), dbSNP rs2491059795, ClinGen allele CA373376506.

ClinVar aggregate classification (germline): Uncertain significance (1 of 4 stars; one submission).

Conditions:
Acromesomelic dysplasia 1, Maroteaux type (AMD1). Also called: ST. HELENA DYSPLASIA; ACROMESOMELIC DYSPLASIA 1. Identifiers: Orphanet 40, MedGen C1864356, MONDO:0011275, OMIM 602875.
Tall stature-scoliosis-macrodactyly of the great toes syndrome. Also called: Epiphyseal chondrodysplasia, miura type. Identifiers: Orphanet 329191, MedGen C4014690, MONDO:0014401, OMIM 615923.

Allele frequency attached by ClinVar (database versions not stated): gnomAD exomes below 0.00001.
gnomAD v4.1: 1 of 1,614,118 alleles (0.000062%); highest among the groups gnomAD compares: Non-Finnish European, 0.000085%; no homozygotes.

Submission:

Labcorp Genetics (formerly Invitae), Labcorp
Classification: Uncertain significance for Tall stature-scoliosis-macrodactyly of the great toes syndrome; Acromesomelic dysplasia 1, Maroteaux type. Last evaluated: 2023-03-20. Review status: criteria provided, single submitter. Criteria: Invitae Variant Classification Sherloc (09022015). Collection method: clinical testing. Allele origin: germline.
Comment: In summary, the available evidence is currently insufficient to determine the role of this variant in disease. Therefore, it has been classified as a Variant of Uncertain Significance. Advanced modeling of protein sequence and biophysical properties (such as structural, functional, and spatial information, amino acid conservation, physicochemical variation, residue mobility, and thermodynamic stability) performed at Invitae indicates that this missense variant is not expected to disrupt NPR2 protein function. This variant has not been reported in the literature in individuals affected with NPR2-related conditions. This variant is not present in population databases (gnomAD no frequency). This sequence change replaces valine, which is neutral and non-polar, with methionine, which is neutral and non-polar, at codon 651 of the NPR2 protein (p.Val651Met).